The following is an entry in ClinVar:

ClinVar aggregate classification (germline): Likely pathogenic (0 of 4 stars; one submission).

Conditions:
Neuronal ceroid lipofuscinosis 1 (CLN1). Also called: CEROID LIPOFUSCINOSIS, NEURONAL, 1, VARIABLE AGE AT ONSET; PPT1-Related Neuronal Ceroid-Lipofuscinosis. Identifiers: Orphanet 228329, MedGen C1850451, MONDO:0009744, OMIM 256730.

Allele frequency attached by ClinVar (database versions not stated): gnomAD 0.00001; TOPMed 0.00001.
gnomAD v4.1: 1 of 1,613,904 alleles (0.000062%); highest among the groups gnomAD compares: East Asian, 0.0022%; no homozygotes.

Submission:

Juha Muilu Group; Institute for Molecular Medicine Finland (FIMM)
Classification: Likely pathogenic for Ceroid lipofuscinosis neuronal 1. Review status: no assertion criteria provided. Collection method: not provided. Allele origin: unknown.
Comment: FinDis database variant: This variant was not found or characterized by our laboratory, data were collected from public sources: see reference
ClinVar note: Converted during submission from probable-pathogenic to Likely pathogenic.

NM_000310.4(PPT1):c.566C>G (p.Pro189Arg)

Gene: PPT1 (palmitoyl-protein thioesterase 1; minus strand). Cytogenetic location: 1p34.2.
Variant type: single nucleotide variant.
Coding change: c.566C>G on transcript NM_000310.4 (MANE Select); coding-DNA position 566, C replaced by G.
Protein change: p.Pro189Arg; replaces proline 189 with arginine.
Molecular consequence: missense variant.
Genome position (GRCh38, 1-based): chr1:40,080,458, G>C on the plus strand (C>G on the coding strand, the complement: PPT1 is on the minus strand). VCF-style: chr1-40080458-G-C. GRCh37 (hg19) VCF-style: chr1-40546130-G-C.
Other names: c.257C>G, p.Pro86Arg (NM_001142604.2); c.566C>G, p.Pro189Arg (NM_001363695.2); short protein forms P189R, P86R.
Identifiers: ClinVar variation 56207 (VCV000056207.2), dbSNP rs386833658, ClinGen allele CA263534.